The following is an entry in ClinVar:

ClinVar aggregate classification (germline): Uncertain significance (1 of 4 stars; one submission).

Submission:

Labcorp Genetics (formerly Invitae), Labcorp
Classification: Uncertain significance. Last evaluated: 2022-12-08. Review status: criteria provided, single submitter. Criteria: Invitae Variant Classification Sherloc (09022015). Collection method: clinical testing. Allele origin: germline.
Comment: In summary, the available evidence is currently insufficient to determine the role of this variant in disease. Therefore, it has been classified as a Variant of Uncertain Significance. Advanced modeling of protein sequence and biophysical properties (such as structural, functional, and spatial information, amino acid conservation, physicochemical variation, residue mobility, and thermodynamic stability) performed at Invitae indicates that this missense variant is not expected to disrupt COL11A1 protein function. This variant has not been reported in the literature in individuals affected with COL11A1-related conditions. This variant is not present in population databases (gnomAD no frequency). This sequence change replaces lysine, which is basic and polar, with asparagine, which is neutral and polar, at codon 109 of the COL11A1 protein (p.Lys109Asn).

NM_001854.4(COL11A1):c.327A>T (p.Lys109Asn)

Gene: COL11A1 (collagen type XI alpha 1 chain; minus strand). Cytogenetic location: 1p21.1.
Variant type: single nucleotide variant.
Coding change: c.327A>T on transcript NM_001854.4 (MANE Select); coding-DNA position 327, A replaced by T.
Protein change: p.Lys109Asn; replaces lysine 109 with asparagine.
Molecular consequence: missense variant. On other transcripts: non-coding transcript variant (1).
Genome position (GRCh38, 1-based): chr1:103,078,819, T>A on the plus strand (A>T on the coding strand, the complement: COL11A1 is on the minus strand). VCF-style: chr1-103078819-T-A. GRCh37 (hg19) VCF-style: chr1-103544375-T-A.
Other names: c.327A>T, p.Lys109Asn (NM_001168249.1, NM_001190709.2, NM_080629.3 and 1 more transcripts); short protein forms K109N.
Identifiers: ClinVar variation 2804441 (VCV002804441.3), dbSNP rs2526189733, ClinGen allele CA341167976.